The following is an entry in ClinVar:

NC_000002.11:g.(?_73716751)_(73718635_?)del

Gene: ALMS1 (ALMS1 centrosome and basal body associated protein; plus strand). Cytogenetic location: 2p13.1.
Variant type: Deletion.
Identifiers: ClinVar variation 1456465 (VCV001456465.5).

ClinVar aggregate classification (germline): Pathogenic (1 of 4 stars; one submission).

Conditions:
Alstrom syndrome (ALMS). Identifiers: Orphanet 64, MedGen C0268425, MONDO:0008763, OMIM 203800.

Submission:

Labcorp Genetics (formerly Invitae), Labcorp
Classification: Pathogenic for Alstrom syndrome. Last evaluated: 2022-08-13. Review status: criteria provided, single submitter. Criteria: Invitae Variant Classification Sherloc (09022015). Collection method: clinical testing. Allele origin: germline.
Comment: For these reasons, this variant has been classified as Pathogenic. This variant has not been reported in the literature in individuals affected with ALMS1-related conditions. This variant is a gross deletion of the genomic region encompassing exon(s) 10 of the ALMS1 gene. This deletion is out-of-frame, and is expected to create a premature termination codon and result in an absent or disrupted protein product. Loss-of-function variants in ALMS1 are known to be pathogenic (PMID: 17594715).

Literature cited by the submitters: PubMed 17594715.